The following is an entry in ClinVar:

ClinVar aggregate classification (germline): Likely pathogenic. Review status: criteria provided, multiple submitters, no conflicts (2 of 4 stars). 3 submissions from 3 submitters: Likely pathogenic (2). 1 of the submissions does not count toward it. Last evaluated 2024-11-05.

Conditions:
Familial adenomatous polyposis 1 (FAP1). Also called: FAMILIAL ADENOMATOUS POLYPOSIS 1, ATTENUATED; POLYPOSIS, ADENOMATOUS INTESTINAL. Identifiers: MedGen C2713442, MONDO:0021056, OMIM 175100. Disease mechanism: loss of function.

Submissions (3):

Labcorp Genetics (formerly Invitae), Labcorp
Classification: Likely pathogenic for Familial adenomatous polyposis 1. Last evaluated: 2024-11-05. Review status: criteria provided, single submitter. Criteria: Invitae Variant Classification Sherloc (09022015). Collection method: clinical testing. Allele origin: germline.
Comment: This sequence change affects an acceptor splice site in intron 12 of the APC gene. It is expected to disrupt RNA splicing. Variants that disrupt the donor or acceptor splice site typically lead to a loss of protein function (PMID: 16199547), and loss-of-function variants in APC are known to be pathogenic (PMID: 17963004, 20685668). This variant is not present in population databases (gnomAD no frequency). Disruption of this splice site has been observed in individual(s) with clinical features of familial adenomatous polyposis (PMID: 20223039). ClinVar contains an entry for this variant (Variation ID: 217931). Algorithms developed to predict the effect of sequence changes on RNA splicing suggest that this variant may disrupt the consensus splice site. In summary, the currently available evidence indicates that the variant is pathogenic, but additional data are needed to prove that conclusively. Therefore, this variant has been classified as Likely Pathogenic.

Myriad Genetics, Inc.
Classification: Likely pathogenic for Familial adenomatous polyposis 1. Last evaluated: 2023-05-02. Review status: criteria provided, single submitter. Criteria: Myriad Autosomal Dominant, Autosomal Recessive and X-Linked Classification Criteria (2023). Collection method: clinical testing. Allele origin: unknown.
Comment: This variant is considered likely pathogenic. This variant occurs within a consensus splice junction and is predicted to result in abnormal mRNA splicing of either an out-of-frame exon or an in-frame exon necessary for protein stability and/or normal function.

Mayo Clinic Laboratories, Mayo Clinic
Classification: Likely pathogenic. Review status: no assertion criteria provided. Collection method: research. Allele origin: unknown. Observed: 2 variant alleles. Not counted in ClinVar's aggregate classification.

Literature cited by the submitters: PubMed 16199547 (cited by Labcorp Genetics (formerly Invitae), Labcorp); PubMed 17963004 (cited by Labcorp Genetics (formerly Invitae), Labcorp); PubMed 20685668 (cited by Labcorp Genetics (formerly Invitae), Labcorp); PubMed 20223039 (cited by Labcorp Genetics (formerly Invitae), Labcorp).

NM_000038.6(APC):c.1549-1G>A

Gene: APC (APC regulator of Wnt signaling pathway; plus strand). Cytogenetic location: 5q22.2.
Variant type: single nucleotide variant.
Coding change: c.1549-1G>A on transcript NM_000038.6 (MANE Select); the canonical splice acceptor site of the intron before coding-DNA position 1549, G replaced by A.
Molecular consequence: splice acceptor variant.
Genome position (GRCh38, 1-based): chr5:112,827,928, G>A. VCF-style: chr5-112827928-G-A. GRCh37 (hg19) VCF-style: chr5-112163625-G-A.
Other names: c.700-1G>A (NM_001407470.1, NM_001354906.2); c.397-1G>A (NM_001407472.1, NM_001407471.1); c.1603-1G>A (NM_001407447.1, NM_001407448.1, NM_001407449.1 and 1 more transcripts); c.1549-1G>A (NM_001354895.2, NM_001407450.1, NM_001127510.3); c.1300-1G>A (NM_001407456.1, NM_001407457.1, NM_001407455.1 and 1 more transcripts); c.1246-1G>A (NM_001407460.1, NM_001407458.1, NM_001407459.1 and 1 more transcripts); c.1519-1G>A (NM_001407452.1); c.1162-1G>A (NM_001407469.1, NM_001407467.1); and 11 more.
Identifiers: ClinVar variation 217931 (VCV000217931.17), dbSNP rs863225316, ClinGen allele CA279777.